The following is an entry in ClinVar:

ClinVar aggregate classification (germline): Uncertain significance (1 of 4 stars; one submission).

gnomAD v4.1: 2 of 1,606,944 alleles (0.00012%); highest among the groups gnomAD compares: Non-Finnish European, 0.00017%; no homozygotes.

Submission:

Labcorp Genetics (formerly Invitae), Labcorp
Classification: Uncertain significance. Last evaluated: 2023-12-01. Review status: criteria provided, single submitter. Criteria: Invitae Variant Classification Sherloc (09022015). Collection method: clinical testing. Allele origin: germline.
Comment: This sequence change replaces leucine, which is neutral and non-polar, with methionine, which is neutral and non-polar, at codon 816 of the CARMIL2 protein (p.Leu816Met). This variant is not present in population databases (gnomAD no frequency). This variant has not been reported in the literature in individuals affected with CARMIL2-related conditions. Advanced modeling of protein sequence and biophysical properties (such as structural, functional, and spatial information, amino acid conservation, physicochemical variation, residue mobility, and thermodynamic stability) performed at Invitae indicates that this missense variant is not expected to disrupt CARMIL2 protein function with a negative predictive value of 80%. In summary, the available evidence is currently insufficient to determine the role of this variant in disease. Therefore, it has been classified as a Variant of Uncertain Significance.

NM_001013838.3(CARMIL2):c.2446C>A (p.Leu816Met)

Gene: CARMIL2 (capping protein regulator and myosin 1 linker 2; plus strand). Cytogenetic location: 16q22.1.
Variant type: single nucleotide variant.
Coding change: c.2446C>A on transcript NM_001013838.3 (MANE Select); coding-DNA position 2446, C replaced by A.
Protein change: p.Leu816Met; replaces leucine 816 with methionine.
Molecular consequence: missense variant.
Genome position (GRCh38, 1-based): chr16:67,651,703, C>A. VCF-style: chr16-67651703-C-A. GRCh37 (hg19) VCF-style: chr16-67685606-C-A.
Other names: c.2338C>A, p.Leu780Met (NM_001317026.3); short protein forms L780M, L816M.
Identifiers: ClinVar variation 2695998 (VCV002695998.3), dbSNP rs768023051, ClinGen allele CA396341068.